The following is an entry in ClinVar:

NM_178161.3(PTF1A):c.446C>T (p.Ala149Val)

Gene: PTF1A (pancreas associated transcription factor 1a; plus strand). Cytogenetic location: 10p12.2.
Variant type: single nucleotide variant.
Coding change: c.446C>T on transcript NM_178161.3 (MANE Select); coding-DNA position 446, C replaced by T.
Protein change: p.Ala149Val; replaces alanine 149 with valine.
Molecular consequence: missense variant.
Genome position (GRCh38, 1-based): chr10:23,192,976, C>T. VCF-style: chr10-23192976-C-T. GRCh37 (hg19) VCF-style: chr10-23481905-C-T.
Other names: short protein forms A149V.
Identifiers: ClinVar variation 877720 (VCV000877720.8), dbSNP rs902236805, ClinGen allele CA204733986.

ClinVar aggregate classification (germline): Uncertain significance. Review status: criteria provided, multiple submitters, no conflicts (2 of 4 stars). 4 submissions from 4 submitters: Uncertain significance (4). Last evaluated 2023-06-04.

Conditions:
Inborn genetic diseases. Identifiers: MedGen C0950123, MeSH D030342.
Permanent neonatal diabetes mellitus-pancreatic and cerebellar agenesis syndrome. Also called: PANCREATIC AND CEREBELLAR AGENESIS. Identifiers: Orphanet 65288, MedGen C1836780, MONDO:0012192, OMIM 609069.

Allele frequency attached by ClinVar (database versions not stated): 1000 Genomes Project 30x 0.00016; TOPMed 0.00020; gnomAD 0.00029; gnomAD exomes 0.00063.

Submissions (4):

Labcorp Genetics (formerly Invitae), Labcorp
Classification: Uncertain significance. Last evaluated: 2023-06-04. Review status: criteria provided, single submitter. Criteria: Invitae Variant Classification Sherloc (09022015). Collection method: clinical testing. Allele origin: germline.
Comment: In summary, the available evidence is currently insufficient to determine the role of this variant in disease. Therefore, it has been classified as a Variant of Uncertain Significance. Advanced modeling of protein sequence and biophysical properties (such as structural, functional, and spatial information, amino acid conservation, physicochemical variation, residue mobility, and thermodynamic stability) performed at Invitae indicates that this missense variant is not expected to disrupt PTF1A protein function. ClinVar contains an entry for this variant (Variation ID: 877720). This variant has not been reported in the literature in individuals affected with PTF1A-related conditions. The frequency data for this variant in the population databases is considered unreliable, as metrics indicate poor data quality at this position in the gnomAD database. This sequence change replaces alanine, which is neutral and non-polar, with valine, which is neutral and non-polar, at codon 149 of the PTF1A protein (p.Ala149Val).

Ambry Genetics
Classification: Uncertain significance for Inborn genetic diseases. Last evaluated: 2021-08-30. Review status: criteria provided, single submitter. Criteria: Ambry Variant Classification Scheme 2023. Collection method: clinical testing. Allele origin: germline.

Illumina Laboratory Services, Illumina
Classification: Uncertain significance for Permanent neonatal diabetes mellitus-pancreatic and cerebellar agenesis syndrome. Last evaluated: 2018-01-13. Review status: criteria provided, single submitter. Criteria: ICSL Variant Classification Criteria 13 December 2019. Collection method: clinical testing. Allele origin: germline.

Breakthrough Genomics
Classification: Uncertain significance. Review status: criteria provided, single submitter. Criteria: ACMG Guidelines, 2015. Collection method: not provided. Allele origin: germline. Inheritance: Autosomal recessive inheritance. Affected: yes.